The following is an entry in ClinVar:

ClinVar aggregate classification (germline): Uncertain significance (1 of 4 stars; one submission).

Submission:

Labcorp Genetics (formerly Invitae), Labcorp
Classification: Uncertain significance. Last evaluated: 2025-10-02. Review status: criteria provided, single submitter. Criteria: Invitae Variant Classification Sherloc (09022015). Collection method: clinical testing. Allele origin: germline.
Comment: This sequence change replaces methionine, which is neutral and non-polar, with valine, which is neutral and non-polar, at codon 427 of the GRM1 protein (p.Met427Val). This variant is not present in population databases (gnomAD no frequency). This variant has not been reported in the literature in individuals affected with GRM1-related conditions. ClinVar contains an entry for this variant (Variation ID: 3727351). An algorithm developed to predict the effect of missense changes on protein structure and function (PolyPhen-2) suggests that this variant is likely to be disruptive. In summary, the available evidence is currently insufficient to determine the role of this variant in disease. Therefore, it has been classified as a Variant of Uncertain Significance.

NM_001278064.2(GRM1):c.1279A>G (p.Met427Val)

Gene: GRM1 (glutamate metabotropic receptor 1; plus strand). Cytogenetic location: 6q24.3.
Variant type: single nucleotide variant.
Coding change: c.1279A>G on transcript NM_001278064.2 (MANE Select); coding-DNA position 1279, A replaced by G.
Protein change: p.Met427Val; replaces methionine 427 with valine.
Molecular consequence: missense variant.
Genome position (GRCh38, 1-based): chr6:146,352,342, A>G. VCF-style: chr6-146352342-A-G. GRCh37 (hg19) VCF-style: chr6-146673478-A-G.
Other names: c.1279A>G, p.Met427Val (NM_001278065.2, NM_001278066.1, NM_001278067.1); short protein forms M427V.
Identifiers: ClinVar variation 3727351 (VCV003727351.2).